The following is an entry in ClinVar:

ClinVar aggregate classification (germline): Uncertain significance (1 of 4 stars; one submission).

Conditions:
Developmental and epileptic encephalopathy, 2 (DEE2). Also called: INFANTILE SPASM SYNDROME, X-LINKED 2; CDKL5 deficiency disorder. Identifiers: Orphanet 1934, Orphanet 3451, Orphanet 505652, MedGen C4750718, MONDO:0010396, OMIM 300672.

Submission:

3billion
Classification: Uncertain significance for Developmental and epileptic encephalopathy, 2. Last evaluated: 2025-06-19. Review status: criteria provided, single submitter. Criteria: ACMG Guidelines, 2015. Collection method: clinical testing. Allele origin: germline. Affected: yes.
Comment: The variant is not observed in the gnomAD v4.1.0 dataset. Predicted Consequence/Location: The variant is located in a mutational hot spot and/or well-established functional domain in which established pathogenic variants have been reported (PMID: 34837432). In silico tool predictions suggest damaging effect of the variant on gene or gene product [REVEL: 0.70 (>=0.6, sensitivity 0.68 and specificity 0.92); 3Cnet: 0.99 (> 0.75, sensitivity 0.96 and precision 0.92)]. Therefore, this variant is classified as VUS according to the recommendation of ACMG/AMP guideline.

NM_001323289.2(CDKL5):c.68C>A (p.Ala23Asp)

Gene: CDKL5 (cyclin dependent kinase like 5; plus strand). Cytogenetic location: Xp22.13.
Variant type: single nucleotide variant.
Coding change: c.68C>A on transcript NM_001323289.2 (MANE Select); coding-DNA position 68, C replaced by A.
Protein change: p.Ala23Asp; replaces alanine 23 with aspartic acid.
Molecular consequence: missense variant.
Genome position (GRCh38, 1-based): chrX:18,510,823, C>A. VCF-style: chrX-18510823-C-A. GRCh37 (hg19) VCF-style: chrX-18528943-C-A.
Other names: c.68C>A, p.Ala23Asp (NM_001037343.2, NM_003159.3); short protein forms A23D.
Identifiers: ClinVar variation 4856088 (VCV004856088.1).